The following is an entry in ClinVar:

ClinVar aggregate classification (germline): Pathogenic/Likely pathogenic. Review status: criteria provided, multiple submitters, no conflicts (2 of 4 stars). 7 submissions from 7 submitters: Pathogenic (2); Likely pathogenic (1). 4 of the submissions do not count toward it. Last evaluated 2023-05-19.

Conditions:
OCA2-related disorder. Also called: OCA2-related condition.

Submissions (7):

Labcorp Genetics (formerly Invitae), Labcorp
Classification: Pathogenic. Last evaluated: 2023-05-19. Review status: criteria provided, single submitter. Criteria: Invitae Variant Classification Sherloc (09022015). Collection method: clinical testing. Allele origin: germline.
Comment: For these reasons, this variant has been classified as Pathogenic. ClinVar contains an entry for this variant (Variation ID: 1284494). This premature translational stop signal has been observed in individual(s) with clinical features of oculocutaneous albinism (PMID: 10987646, 30414346). This variant is present in population databases (no rsID available, gnomAD 0.002%). This sequence change creates a premature translational stop signal (p.Ala55Leufs*47) in the OCA2 gene. It is expected to result in an absent or disrupted protein product. Loss-of-function variants in OCA2 are known to be pathogenic (PMID: 19865097, 21541274).

Blueprint Genetics
Classification: Likely pathogenic for OCA2-related disorders. Last evaluated: 2022-08-08. Review status: criteria provided, single submitter. Criteria: ACMG Guidelines, 2015. Collection method: clinical testing. Allele origin: germline. Affected: yes. Observed: 1 variant allele.

CeGaT Center for Human Genetics Tuebingen
Classification: Pathogenic. Last evaluated: 2022-05-01. Review status: criteria provided, single submitter. Criteria: CeGaT Center For Human Genetics Tuebingen Variant Classification Criteria Version 2. Collection method: clinical testing. Allele origin: germline. Affected: yes. Observed: 2 variant alleles.

Clinical Genetics DNA and cytogenetics Diagnostics Lab, Erasmus MC, Erasmus Medical Center
Classification: Pathogenic. Review status: no assertion criteria provided. Collection method: clinical testing. Allele origin: germline. Affected: yes. Study: VKGL Data-share Consensus. Not counted in ClinVar's aggregate classification.

Clinical Genetics, Academic Medical Center
Classification: Pathogenic. Review status: no assertion criteria provided. Collection method: clinical testing. Allele origin: germline. Affected: yes. Study: VKGL Data-share Consensus. Not counted in ClinVar's aggregate classification.

Joint Genome Diagnostic Labs from Nijmegen and Maastricht, Radboudumc and MUMC+
Classification: Pathogenic. Review status: no assertion criteria provided. Collection method: clinical testing. Allele origin: germline. Affected: yes. Study: VKGL Data-share Consensus. Not counted in ClinVar's aggregate classification.

Laboratory of Diagnostic Genome Analysis, Leiden University Medical Center (LUMC)
Classification: Pathogenic. Review status: no assertion criteria provided. Collection method: clinical testing. Allele origin: germline. Affected: yes. Study: VKGL Data-share Consensus. Not counted in ClinVar's aggregate classification.

Literature cited by the submitters: PubMed 10987646 (cited by Labcorp Genetics (formerly Invitae), Labcorp); PubMed 30414346 (cited by Labcorp Genetics (formerly Invitae), Labcorp); PubMed 19865097 (cited by Labcorp Genetics (formerly Invitae), Labcorp); PubMed 21541274 (cited by Labcorp Genetics (formerly Invitae), Labcorp).

NM_000275.3(OCA2):c.163del (p.Ala55fs)

Gene: OCA2 (OCA2 melanosomal transmembrane protein; minus strand). Cytogenetic location: 15q13.1.
Variant type: Deletion.
Coding change: c.163del on transcript NM_000275.3 (MANE Select); coding-DNA position 163, one base deleted (G; older notation c.163delG).
Protein change: p.Ala55fs; shifts the reading frame from alanine 55.
Molecular consequence: frameshift variant.
Genome position (GRCh38, 1-based): chr15:28,081,712, C deleted on the plus strand (G on the coding strand, the reverse complement: OCA2 is on the minus strand); the first of 6 consecutive C bases (chr15:28,081,712-28,081,717); deleting any one gives the same sequence. VCF-style (leftmost placement, unchanged base first): chr15-28081711-GC-G. GRCh37 (hg19) VCF-style: chr15-28326857-GC-G.
Other names: c.163del, p.Ala55fs (NM_001300984.2); short protein forms A55fs.
Identifiers: ClinVar variation 1284494 (VCV001284494.41), dbSNP rs1254334474, ClinGen allele CA617086283.